The following is an entry in ClinVar:

ClinVar aggregate classification (germline): Uncertain significance. Review status: criteria provided, multiple submitters, no conflicts (2 of 4 stars). 2 submissions from 2 submitters: Uncertain significance (2). Last evaluated 2025-01-10.

Conditions:
Autosomal recessive mendelian susceptibility to mycobacterial diseases due to complete RORgamma receptor deficiency. Also called: Immunodeficiency 42. Identifiers: Orphanet 477857, MedGen C5567647, MONDO:0014710, OMIM 616622.
Inborn genetic diseases. Identifiers: MedGen C0950123, MeSH D030342.

Allele frequency attached by ClinVar (database versions not stated): gnomAD 0.00001; ExAC 0.00002; gnomAD exomes 0.00002 and 0.00004; TOPMed 0.00002.
gnomAD v4.1: 63 of 1,614,016 alleles (0.0039%); highest among the groups gnomAD compares: Middle Eastern, 0.016%; no homozygotes.

Submissions (2):

Ambry Genetics
Classification: Uncertain significance for Inborn genetic diseases. Last evaluated: 2025-01-10. Review status: criteria provided, single submitter. Criteria: Ambry Variant Classification Scheme 2023. Collection method: clinical testing. Allele origin: germline.

Labcorp Genetics (formerly Invitae), Labcorp
Classification: Uncertain significance for Autosomal recessive mendelian susceptibility to mycobacterial diseases due to complete RORgamma receptor deficiency. Last evaluated: 2022-03-04. Review status: criteria provided, single submitter. Criteria: Invitae Variant Classification Sherloc (09022015). Collection method: clinical testing. Allele origin: germline.
Comment: This sequence change replaces threonine, which is neutral and polar, with methionine, which is neutral and non-polar, at codon 375 of the RORC protein (p.Thr375Met). This variant is present in population databases (rs757895511, gnomAD 0.006%). This variant has not been reported in the literature in individuals affected with RORC-related conditions. Algorithms developed to predict the effect of missense changes on protein structure and function are either unavailable or do not agree on the potential impact of this missense change (SIFT: "Deleterious"; PolyPhen-2: "Probably Damaging"; Align-GVGD: "Class C0"). In summary, the available evidence is currently insufficient to determine the role of this variant in disease. Therefore, it has been classified as a Variant of Uncertain Significance.

NM_005060.4(RORC):c.1124C>T (p.Thr375Met)

Gene: RORC (RAR related orphan receptor C; minus strand). Cytogenetic location: 1q21.3.
Variant type: single nucleotide variant.
Coding change: c.1124C>T on transcript NM_005060.4 (MANE Select); coding-DNA position 1124, C replaced by T.
Protein change: p.Thr375Met; replaces threonine 375 with methionine.
Molecular consequence: missense variant.
Genome position (GRCh38, 1-based): chr1:151,813,289, G>A on the plus strand (C>T on the coding strand, the complement: RORC is on the minus strand). VCF-style: chr1-151813289-G-A. GRCh37 (hg19) VCF-style: chr1-151785765-G-A.
Other names: c.1061C>T, p.Thr354Met (NM_001001523.2); c.1124C>T (NM_005060.3); short protein forms T375M, T354M.
Identifiers: ClinVar variation 1372051 (VCV001372051.5), dbSNP rs757895511, ClinGen allele CA1095748.
Genomic context (GRCh38, chr1:151,813,289, plus strand): 5'-TGCCCCTCACCCAAGGCTCGGAACAGCTCCATGCCACCGTATTTGCCTTCAAAAAAGACC[G>A]TGCGGTTGTCAGCATTGTAGGCCCGGCACATCCTAACCAGCACCACTTCCATTGCTCCTG-3'
Protein context (NP_005051.2, residues 365-385): MCRAYNADNR[Thr375Met]VFFEGKYGGM